The following is an entry in ClinVar:

NM_198503.5(KCNT2):c.3131A>G (p.Tyr1044Cys)

Gene: KCNT2 (potassium sodium-activated channel subfamily T member 2; minus strand). Cytogenetic location: 1q31.3.
Variant type: single nucleotide variant.
Coding change: c.3131A>G on transcript NM_198503.5 (MANE Select); coding-DNA position 3131, A replaced by G.
Protein change: p.Tyr1044Cys; replaces tyrosine 1044 with cysteine.
Molecular consequence: missense variant. On other transcripts: non-coding transcript variant (2).
Genome position (GRCh38, 1-based): chr1:196,258,274, T>C on the plus strand (A>G on the coding strand, the complement: KCNT2 is on the minus strand). VCF-style: chr1-196258274-T-C. GRCh37 (hg19) VCF-style: chr1-196227404-T-C.
Other names: c.3059A>G, p.Tyr1020Cys (NM_001287819.3); c.2930A>G, p.Tyr977Cys (NM_001287820.3); short protein forms Y1020C, Y1044C, Y977C.
Identifiers: ClinVar variation 4538989 (VCV004538989.1).
Genomic context (GRCh38, chr1:196,258,274, plus strand): 5'-CCCAAGTGTTTCATTCTATTTTTCACAAGTTCAGCAAGCTCTTGTCTTTCTGACCTCCTG[T>C]AGAGGTTCAGTCGCTGCTGGGTTATTTTTTCAGCTGTTTTACCAGAGTGTTTTGGGCCTT-3'
Protein context (NP_940905.2, residues 1034-1054): EKITQQRLNL[Tyr1044Cys]RRSERQELAE

ClinVar aggregate classification (germline): Uncertain significance (1 of 4 stars; one submission).

gnomAD v4.1: 2 of 1,614,104 alleles (0.00012%); highest among the groups gnomAD compares: Non-Finnish European, 0.00017%; no homozygotes.

Submission:

GeneDx
Classification: Uncertain significance. Last evaluated: 2025-06-20. Review status: criteria provided, single submitter. Criteria: GeneDx Variant Classification Process June 2021. Collection method: clinical testing. Allele origin: germline. Affected: yes.
Comment: Not observed at significant frequency in large population cohorts (gnomAD); In silico analysis supports that this missense variant has a deleterious effect on protein structure/function; Has not been previously published as pathogenic or benign to our knowledge